The following is an entry in ClinVar:

NM_001001957.2(OR2W3):c.508G>A (p.Gly170Arg)

Gene: OR2W3 (olfactory receptor family 2 subfamily W member 3; plus strand). Cytogenetic location: 1q44.
Variant type: single nucleotide variant.
Coding change: c.508G>A on transcript NM_001001957.2 (MANE Select); coding-DNA position 508, G replaced by A.
Protein change: p.Gly170Arg; replaces glycine 170 with arginine.
Molecular consequence: missense variant.
Genome position (GRCh38, 1-based): chr1:247,896,094, G>A. VCF-style: chr1-247896094-G-A. GRCh37 (hg19) VCF-style: chr1-248059396-G-A.
Other names: short protein forms G170R.
Identifiers: ClinVar variation 2876209 (VCV002876209.3), dbSNP rs200577308, ClinGen allele CA40764665.

ClinVar aggregate classification (germline): Uncertain significance (1 of 4 stars; one submission).

Allele frequency attached by ClinVar (database versions not stated): gnomAD exomes below 0.00001.

Submission:

Labcorp Genetics (formerly Invitae), Labcorp
Classification: Uncertain significance. Last evaluated: 2024-03-01. Review status: criteria provided, single submitter. Criteria: Invitae Variant Classification Sherloc (09022015). Collection method: clinical testing. Allele origin: germline.
Comment: This sequence change replaces glycine, which is neutral and non-polar, with arginine, which is basic and polar, at codon 170 of the OR2W3 protein (p.Gly170Arg). This variant is not present in population databases (gnomAD no frequency). This variant has not been reported in the literature in individuals affected with OR2W3-related conditions. An algorithm developed to predict the effect of missense changes on protein structure and function (PolyPhen-2) suggests that this variant is likely to be disruptive. In summary, the available evidence is currently insufficient to determine the role of this variant in disease. Therefore, it has been classified as a Variant of Uncertain Significance.